The following is an entry in ClinVar:

NM_002241.5(KCNJ10):c.512G>A (p.Arg171Gln)

Gene: KCNJ10 (potassium inwardly rectifying channel subfamily J member 10; minus strand). Cytogenetic location: 1q23.2.
Variant type: single nucleotide variant.
Coding change: c.512G>A on transcript NM_002241.5 (MANE Select); coding-DNA position 512, G replaced by A.
Protein change: p.Arg171Gln; replaces arginine 171 with glutamine.
Molecular consequence: missense variant.
Genome position (GRCh38, 1-based): chr1:160,042,021, C>T on the plus strand (G>A on the coding strand, the complement: KCNJ10 is on the minus strand). VCF-style: chr1-160042021-C-T. GRCh37 (hg19) VCF-style: chr1-160011811-C-T.
Other names: short protein forms R171Q.
Identifiers: ClinVar variation 656970 (VCV000656970.14), dbSNP rs200320916, ClinGen allele CA1193239.

ClinVar aggregate classification (germline): Conflicting classifications of pathogenicity. Review status: criteria provided, conflicting classifications (1 of 4 stars). 4 submissions from 4 submitters: Likely pathogenic (3); Uncertain significance (1). Last evaluated 2025-12-09.

Conditions:
EAST syndrome (SESAMES). Also called: SEIZURES, SENSORINEURAL DEAFNESS, ATAXIA, IMPAIRED INTELLECTUAL DEVELOPMENT, AND ELECTROLYTE IMBALANCE. Identifiers: Orphanet 199343, MedGen C2748572, MONDO:0013005, OMIM 612780.
Inborn genetic diseases. Identifiers: MedGen C0950123, MeSH D030342.

Allele frequency attached by ClinVar (database versions not stated): gnomAD exomes 0.00002 and 0.00001; gnomAD 0.00005; ExAC 0.00003; TOPMed 0.00016.
gnomAD v4.1: 29 of 1,563,594 alleles (0.0019%); highest among the groups gnomAD compares: Admixed American, 0.013%; no homozygotes.

Submissions (4):

GeneDx
Classification: Likely pathogenic. Last evaluated: 2025-12-09. Review status: criteria provided, single submitter. Criteria: GeneDx Variant Classification Process June 2021. Collection method: clinical testing. Allele origin: germline.
Comment: Published functional studies demonstrate a damaging effect on channel current amplitude (PMID: 32062759); In silico analysis suggests that this missense variant does not alter protein structure/function; This variant is associated with the following publications: (PMID: 32062759, 33424762, 38979912)

Labcorp Genetics (formerly Invitae), Labcorp
Classification: Likely pathogenic for EAST syndrome. Last evaluated: 2025-11-19. Review status: criteria provided, single submitter. Criteria: Invitae Variant Classification Sherloc (09022015). Collection method: clinical testing. Allele origin: germline.
Comment: This sequence change replaces arginine, which is basic and polar, with glutamine, which is neutral and polar, at codon 171 of the KCNJ10 protein (p.Arg171Gln). This variant is present in population databases (rs200320916, gnomAD 0.02%). This missense change has been observed in individual(s) with autosomal recessive KCNJ10-related condition(s) (PMID: 32062759). It has also been observed to segregate with disease in related individuals. ClinVar contains an entry for this variant (Variation ID: 656970). Invitae Evidence Modeling of protein sequence and biophysical properties (such as structural, functional, and spatial information, amino acid conservation, physicochemical variation, residue mobility, and thermodynamic stability) has been performed for this missense variant. However, the output from this modeling did not meet the statistical confidence thresholds required to predict the impact of this variant on KCNJ10 protein function. Experimental studies have shown that this missense change affects KCNJ10 function (PMID: 32062759). In summary, the currently available evidence indicates that the variant is pathogenic, but additional data are needed to prove that conclusively. Therefore, this variant has been classified as Likely Pathogenic.

Ambry Genetics
Classification: Uncertain significance for Inborn genetic diseases. Last evaluated: 2023-03-06. Review status: criteria provided, single submitter. Criteria: Ambry Variant Classification Scheme 2023. Collection method: clinical testing. Allele origin: germline.
Comment: Morin, 2020 Based on insufficient or conflicting evidence, the clinical significance of this alteration remains unclear.

Neuberg Centre For Genomic Medicine, NCGM
Classification: Likely pathogenic for EAST syndrome. Review status: criteria provided, single submitter. Criteria: ACMG Guidelines, 2015. Collection method: clinical testing. Allele origin: germline. Inheritance: Autosomal recessive inheritance. Affected: yes.
Comment: The missense variant p.R171Q in KCNJ10 (NM_002241.5) causes the same amino acid change as a previously established pathogenic variant. The p.R171Q variant is observed in 1/5,928 (0.0169%) alleles from individuals of Ashkenazi Jewish background in gnomAD Exomes and is novel (not in any individuals) in 1000 Genomes. The p.R171Q missense variant is predicted to be damaging by both SIFT and PolyPhen2. The arginine residue at codon 171 of KCNJ10 is conserved in all mammalian species. The nucleotide c.512 in KCNJ10 is predicted conserved by GERP++ and PhyloP across 100 vertebrates. For these reasons, this variant has been classified as Likely Pathogenic. In the absence of another reportable variant the molecular diagnosis of KCNJ10-related disease is not confirmed

Literature cited by the submitters: PubMed 32062759 (cited by Labcorp Genetics (formerly Invitae), Labcorp and Ambry Genetics); PubMed 24378235 (cited by Ambry Genetics); PubMed 33424762 (cited by Ambry Genetics).